The following is an entry in ClinVar:

NM_021224.6(ZNF462):c.1157_1158del (p.Asp385_Ser386insTer)

Gene: ZNF462 (zinc finger protein 462; plus strand). Cytogenetic location: 9q31.2.
Variant type: Microsatellite.
Coding change: c.1157_1158del on transcript NM_021224.6 (MANE Select); coding-DNA positions 1157 to 1158, 2 bases deleted (CT; older notation c.1157_1158delCT).
Protein change: p.Asp385_Ser386insTer.
Molecular consequence: nonsense.
Genome position (GRCh38, 1-based): chr9:106,925,069-106,925,070, CT deleted; deleting any 2 consecutive bases within chr9:106,925,067-106,925,070 gives the same sequence; the c. name uses the placement nearest the transcript's 3' end. VCF-style (leftmost placement, unchanged base first): chr9-106925066-ACT-A. GRCh37 (hg19) VCF-style: chr9-109687347-ACT-A.
Other names: c.1157_1158del, p.Asp385_Ser386insTer (NM_001347997.2).
Identifiers: ClinVar variation 3032138 (VCV003032138.2), dbSNP rs2538729329, ClinGen allele CA2740095551.
Genomic context (GRCh38, chr9:106,925,066, plus strand): 5'-ATGGAATGACTGACATGACCAATTCTTCTGCTGACCTGGAAACTAACAGCATGCTAAATG[ACT>A]CTAGTTCTGATGAAGAGTTAAATGAAATAGACAGTGAGAATGGTTTAAGTGCTATGGATC-3'

ClinVar aggregate classification (germline): Likely pathogenic (0 of 4 stars; one submission).

Conditions:
ZNF462-related disorder. Also called: ZNF462-related condition; ZNF462 related disease.

Submission:

PreventionGenetics, part of Exact Sciences
Classification: Likely pathogenic for ZNF462-related condition. Last evaluated: 2023-12-13. Review status: no assertion criteria provided. Collection method: clinical testing. Allele origin: germline.
Comment: The ZNF462 c.1157_1158delCT variant is predicted to result in premature protein termination (p.Ser386*). To our knowledge, this variant has not been reported in the literature or in a large population database, indicating this variant is rare. Truncating variants in ZNF462 are expected to be pathogenic (see, for example, Kruszka et al. 2019. PubMed ID: 31361404). This variant is interpreted as likely pathogenic.